The following is an entry in ClinVar:

NM_001098816.3(TENM4):c.7912C>T (p.Arg2638Trp)

Gene: TENM4 (teneurin transmembrane protein 4; minus strand). Cytogenetic location: 11q14.1.
Variant type: single nucleotide variant.
Coding change: c.7912C>T on transcript NM_001098816.3 (MANE Select); coding-DNA position 7912, C replaced by T.
Protein change: p.Arg2638Trp; replaces arginine 2638 with tryptophan.
Molecular consequence: missense variant.
Genome position (GRCh38, 1-based): chr11:78,658,456, G>A on the plus strand (C>T on the coding strand, the complement: TENM4 is on the minus strand). VCF-style: chr11-78658456-G-A. GRCh37 (hg19) VCF-style: chr11-78369501-G-A.
Other names: short protein forms R2638W.
Identifiers: ClinVar variation 2682569 (VCV002682569.2), dbSNP rs200437630, ClinGen allele CA6206133.

ClinVar aggregate classification (germline): Uncertain significance. Review status: criteria provided, multiple submitters, no conflicts (2 of 4 stars). 2 submissions from 2 submitters: Uncertain significance (2). Last evaluated 2026-07-01.

Allele frequency attached by ClinVar (database versions not stated): ESP Exome Variant Server 0.00024; TOPMed 0.00030; gnomAD 0.00039; ExAC 0.00043; gnomAD exomes 0.00050.
gnomAD v4.1: 771 of 1,613,988 alleles (0.048%); highest among the groups gnomAD compares: Non-Finnish European, 0.06%; no homozygotes.

Submissions (2):

CeGaT Center for Human Genetics Tuebingen
Classification: Uncertain significance. Last evaluated: 2026-07-01. Review status: criteria provided, single submitter. Criteria: CeGaT Center For Human Genetics Tuebingen Variant Classification Criteria Version 2. Collection method: clinical testing. Allele origin: germline. Affected: yes. Observed: 1 variant allele.

Women's Health and Genetics/Laboratory Corporation of America, LabCorp
Classification: Uncertain significance. Last evaluated: 2023-11-16. Review status: criteria provided, single submitter. Criteria: LabCorp Variant Classification Summary - May 2015. Collection method: clinical testing. Allele origin: germline.
Comment: Variant summary: TENM4 c.7912C>T (p.Arg2638Trp) results in a non-conservative amino acid change in the encoded protein sequence. Five of five in-silico tools predict a damaging effect of the variant on protein function. The variant allele was found at a frequency of 0.00039 in 249072 control chromosomes. To our knowledge, no occurrence of c.7912C>T in individuals affected with Tremor, Hereditary Essential, 5 and no experimental evidence demonstrating its impact on protein function have been reported. No submitters have cited clinical-significance assessments for this variant to ClinVar after 2014. Based on the evidence outlined above, the variant was classified as uncertain significance.